The following is an entry in ClinVar:

ClinVar aggregate classification (germline): Uncertain significance (1 of 4 stars; one submission).

gnomAD v4.1: 52 of 1,612,268 alleles (0.0032%); highest among the groups gnomAD compares: South Asian, 0.0055%; no homozygotes.

Submission:

Labcorp Genetics (formerly Invitae), Labcorp
Classification: Uncertain significance. Last evaluated: 2024-10-14. Review status: criteria provided, single submitter. Criteria: Invitae Variant Classification Sherloc (09022015). Collection method: clinical testing. Allele origin: germline.
Comment: This sequence change replaces arginine, which is basic and polar, with cysteine, which is neutral and slightly polar, at codon 956 of the DOCK6 protein (p.Arg956Cys). This variant is present in population databases (no rsID available, gnomAD 0.004%). This variant has not been reported in the literature in individuals affected with DOCK6-related conditions. Invitae Evidence Modeling of protein sequence and biophysical properties (such as structural, functional, and spatial information, amino acid conservation, physicochemical variation, residue mobility, and thermodynamic stability) indicates that this missense variant is expected to disrupt DOCK6 protein function with a positive predictive value of 80%. In summary, the available evidence is currently insufficient to determine the role of this variant in disease. Therefore, it has been classified as a Variant of Uncertain Significance.

NM_020812.4(DOCK6):c.2866C>T (p.Arg956Cys)

Gene: DOCK6 (dedicator of cytokinesis 6; minus strand). Cytogenetic location: 19p13.2.
Variant type: single nucleotide variant.
Coding change: c.2866C>T on transcript NM_020812.4 (MANE Select); coding-DNA position 2866, C replaced by T.
Protein change: p.Arg956Cys; replaces arginine 956 with cysteine.
Molecular consequence: missense variant.
Genome position (GRCh38, 1-based): chr19:11,227,426, G>A on the plus strand (C>T on the coding strand, the complement: DOCK6 is on the minus strand). VCF-style: chr19-11227426-G-A. GRCh37 (hg19) VCF-style: chr19-11338102-G-A.
Other names: c.2971C>T, p.Arg991Cys (NM_001367830.1); short protein forms R956C, R991C.
Identifiers: ClinVar variation 3620156 (VCV003620156.1).